The following is an entry in ClinVar:

ClinVar aggregate classification (germline): Uncertain significance. Review status: criteria provided, multiple submitters, no conflicts (2 of 4 stars). 2 submissions from 2 submitters: Uncertain significance (2). Last evaluated 2025-03-10.

Conditions:
Inborn genetic diseases. Identifiers: MedGen C0950123, MeSH D030342.

Allele frequency attached by ClinVar (database versions not stated): gnomAD 0.00004; ESP Exome Variant Server 0.00008.
gnomAD v4.1: 9 of 1,603,076 alleles (0.00056%); highest among the groups gnomAD compares: African/African-American, 0.011%; no homozygotes.

Submissions (2):

Dasa
Classification: Uncertain significance. Last evaluated: 2025-03-10. Review status: criteria provided, single submitter. Criteria: DASA Assertion Criteria. Collection method: clinical testing. Allele origin: germline.
Comment: NM_016580.4(PCDH12):c.3505G>A (p.Gly1169Arg) is a missense variant that results in the substitution of glycine with arginine. This variant is rare in population databases. Computational prediction algorithms are consistent with a benign effect. The currently available literature and clinical evidence are not sufficient to establish a definitive association between this variant and the reported condition. Therefore, this variant is classified as a variant of uncertain significance.

Ambry Genetics
Classification: Uncertain significance for Inborn genetic diseases. Last evaluated: 2023-02-06. Review status: criteria provided, single submitter. Criteria: Ambry Variant Classification Scheme 2023. Collection method: clinical testing. Allele origin: germline.

NM_016580.4(PCDH12):c.3505G>A (p.Gly1169Arg)

Gene: PCDH12 (protocadherin 12; minus strand). Cytogenetic location: 5q31.3.
Variant type: single nucleotide variant.
Coding change: c.3505G>A on transcript NM_016580.4 (MANE Select); coding-DNA position 3505, G replaced by A.
Protein change: p.Gly1169Arg; replaces glycine 1169 with arginine.
Molecular consequence: missense variant.
Genome position (GRCh38, 1-based): chr5:141,945,431, C>T on the plus strand (G>A on the coding strand, the complement: PCDH12 is on the minus strand). VCF-style: chr5-141945431-C-T. GRCh37 (hg19) VCF-style: chr5-141324996-C-T.
Other names: short protein forms G1169R.
Identifiers: ClinVar variation 2481138 (VCV002481138.4), dbSNP rs377240487, ClinGen allele CA128470894.